The following is an entry in ClinVar:

NM_000553.6(WRN):c.2822C>A (p.Ser941Tyr)

Gene: WRN (WRN RecQ like helicase; plus strand). Cytogenetic location: 8p12.
Variant type: single nucleotide variant.
Coding change: c.2822C>A on transcript NM_000553.6 (MANE Select); coding-DNA position 2822, C replaced by A.
Protein change: p.Ser941Tyr; replaces serine 941 with tyrosine.
Molecular consequence: missense variant.
Genome position (GRCh38, 1-based): chr8:31,124,997, C>A. VCF-style: chr8-31124997-C-A. GRCh37 (hg19) VCF-style: chr8-30982513-C-A.
Other names: short protein forms S941Y.
Identifiers: ClinVar variation 528151 (VCV000528151.8), dbSNP rs746183898, ClinGen allele CA4704854.
Genomic context (GRCh38, chr8:31,124,997, plus strand): 5'-AAGTACAAAAAGCCTCCTTGGGAATTATGGGAACTGAAAAATGCTGTGATAATTGCAGGT[C>A]CAGGTAAAGATTTCTTATTATAGATGGACATTCTAAAAGTCTTTCTTTCTCTTCCTTTTC-3'
Protein context (NP_000544.2, residues 931-951): GTEKCCDNCR[Ser941Tyr]RLDHCYSMDD

ClinVar aggregate classification (germline): Uncertain significance (1 of 4 stars; one submission).

Conditions:
Werner syndrome (WRN). Identifiers: Orphanet 902, MedGen C0043119, MONDO:0010196, OMIM 277700.

Allele frequency attached by ClinVar (database versions not stated): ExAC 0.00002; gnomAD exomes 0.00002 and 0.00005; gnomAD 0.00003 and 0.00004; TOPMed 0.00004.
gnomAD v4.1: 80 of 1,612,094 alleles (0.005%); highest among the groups gnomAD compares: Non-Finnish European, 0.0065%; no homozygotes.

Submission:

Labcorp Genetics (formerly Invitae), Labcorp
Classification: Uncertain significance for Werner syndrome. Last evaluated: 2025-02-20. Review status: criteria provided, single submitter. Criteria: Invitae Variant Classification Sherloc (09022015). Collection method: clinical testing. Allele origin: germline.
Comment: This sequence change replaces serine, which is neutral and polar, with tyrosine, which is neutral and polar, at codon 941 of the WRN protein (p.Ser941Tyr). RNA analysis indicates that this missense change induces altered splicing and likely results in the loss of 2 amino acid residue(s), but is expected to preserve the integrity of the reading-frame. This variant is present in population databases (rs746183898, gnomAD 0.004%). This variant has not been reported in the literature in individuals affected with WRN-related conditions. ClinVar contains an entry for this variant (Variation ID: 528151). An algorithm developed to predict the effect of missense changes on protein structure and function (PolyPhen-2) suggests that this variant is likely to be disruptive. Studies have shown that this missense change results in the activation of a cryptic splice site in exon 23 (internal data). In summary, the available evidence is currently insufficient to determine the role of this variant in disease. Therefore, it has been classified as a Variant of Uncertain Significance.